The following is an entry in ClinVar:

ClinVar aggregate classification (germline): Uncertain significance (1 of 4 stars; one submission).

Allele frequency attached by ClinVar (database versions not stated): gnomAD exomes 0.00001; ExAC 0.00003; ESP Exome Variant Server 0.00015; gnomAD 0.00020; TOPMed 0.00020.
gnomAD v4.1: 38 of 780,582 alleles (0.0049%); highest among the groups gnomAD compares: African/African-American, 0.064%; no homozygotes.

Submission:

Labcorp Genetics (formerly Invitae), Labcorp
Classification: Uncertain significance. Last evaluated: 2023-01-05. Review status: criteria provided, single submitter. Criteria: Invitae Variant Classification Sherloc (09022015). Collection method: clinical testing. Allele origin: germline.
Comment: In summary, the available evidence is currently insufficient to determine the role of this variant in disease. Therefore, it has been classified as a Variant of Uncertain Significance. Algorithms developed to predict the effect of missense changes on protein structure and function (SIFT, PolyPhen-2, Align-GVGD) all suggest that this variant is likely to be tolerated. This variant has not been reported in the literature in individuals affected with ADCY1-related conditions. This variant is present in population databases (rs140643542, gnomAD 0.07%), and has an allele count higher than expected for a pathogenic variant. This sequence change replaces glycine, which is neutral and non-polar, with aspartic acid, which is acidic and polar, at codon 1084 of the ADCY1 protein (p.Gly1084Asp).

NM_021116.4(ADCY1):c.3251G>A (p.Gly1084Asp)

Gene: ADCY1 (adenylate cyclase 1; plus strand). Cytogenetic location: 7p12.3.
Variant type: single nucleotide variant.
Coding change: c.3251G>A on transcript NM_021116.4 (MANE Select); coding-DNA position 3251, G replaced by A.
Protein change: p.Gly1084Asp; replaces glycine 1084 with aspartic acid.
Molecular consequence: missense variant.
Genome position (GRCh38, 1-based): chr7:45,713,886, G>A. VCF-style: chr7-45713886-G-A. GRCh37 (hg19) VCF-style: chr7-45753485-G-A.
Other names: short protein forms G1084D.
Identifiers: ClinVar variation 2969177 (VCV002969177.3), dbSNP rs140643542, ClinGen allele CA4249459.
Genomic context (GRCh38, chr7:45,713,886, plus strand): 5'-AAATCAGGTCCCTGGGCTTGGATCGGAAAATGTGTCCATTTGGGAGAGCTGGCCTTCAGG[G>A]CAGACGTCCCCCCGTGTGCCCCATGCCTGGCGTCTCAGTCAGGGCTGGGCTCCCTCCACA-3'
Protein context (NP_066939.1, residues 1074-1094): MCPFGRAGLQ[Gly1084Asp]RRPPVCPMPG